The following is an entry in ClinVar:

NM_000127.3(EXT1):c.1015_1017del (p.Gly339del)

Gene: EXT1 (exostosin glycosyltransferase 1; minus strand). Cytogenetic location: 8q24.11.
Variant type: Deletion.
Coding change: c.1015_1017del on transcript NM_000127.3 (MANE Select); coding-DNA positions 1015 to 1017, 3 bases deleted (GGT; older notation c.1015_1017delGGT).
Protein change: p.Gly339del; deletes glycine 339.
Molecular consequence: inframe deletion.
Genome position (GRCh38, 1-based): chr8:117,837,147-117,837,149, ACC deleted on the plus strand (GGT on the coding strand, the reverse complement: EXT1 is on the minus strand); deleting any 3 consecutive bases within chr8:117,837,147-117,837,151 gives the same sequence; the c. name uses the placement nearest the transcript's 3' end. VCF-style (leftmost placement, unchanged base first): chr8-117837146-GACC-G. GRCh37 (hg19) VCF-style: chr8-118849385-GACC-G.
Other names: c.1015_1017delGGT (NM_000127.2); short protein forms G339del.
Identifiers: ClinVar variation 372859 (VCV000372859.1), dbSNP rs1057518031, ClinGen allele CA16042622.

ClinVar aggregate classification (germline): Likely pathogenic (1 of 4 stars; one submission).

Submission:

GeneDx
Classification: Likely pathogenic. Last evaluated: 2016-01-19. Review status: criteria provided, single submitter. Criteria: GeneDx Variant Classification (06012015). Collection method: clinical testing. Allele origin: germline. Affected: yes.
Comment: The c.1015_1017delGGT variant has not been published as a pathogenic variant, nor has it been reported as a benign variant to our knowledge. The variant results in an in-frame deletion of a single amino acid, Glycine, and is not expected to result in protein truncation or nonsense-mediated mRNA decay. The variant was not observed in approximately 6,500 individuals of European and African American ancestry in the NHLBI Exome Sequencing Project, indicating it is not a common benign variant in these populations. The deleted amino acid residue is conserved across species, and in silico analysis predicts this variant is probably damaging to the protein structure/function. Missense variants in the deleted codon (G339V, G339D) have been reported in the Human Gene Mutation Database in association with hereditary multiple exostoses (Stenson et al., 2014), supporting the functional importance of this region of the protein. However, no nearby in-frame deletions have been reported in the Human Gene Mutation Database. Therefore, based on the currently available information, this variant is likely pathogenic.